The following is an entry in ClinVar:

ClinVar aggregate classification (germline): Uncertain significance (1 of 4 stars; one submission).

Conditions:
Hereditary cancer-predisposing syndrome. Also called: Neoplastic Syndromes, Hereditary; Tumor predisposition; Hereditary Cancer Syndrome; Hereditary neoplastic syndrome. Identifiers: Orphanet 140162, MedGen C0027672, MeSH D009386, MONDO:0015356.

Submission:

Ambry Genetics
Classification: Uncertain significance for Hereditary cancer-predisposing syndrome. Last evaluated: 2025-07-29. Review status: criteria provided, single submitter. Criteria: Ambry Variant Classification Scheme 2023. Collection method: clinical testing. Allele origin: germline.
Comment: The p.L326I variant (also known as c.976C>A), located in coding exon 10 of the RB1 gene, results from a C to A substitution at nucleotide position 976. The leucine at codon 326 is replaced by isoleucine, an amino acid with highly similar properties. This amino acid position is not well conserved in available vertebrate species. In addition, the in silico prediction for this alteration is inconclusive. Based on the available evidence, the clinical significance of this variant remains unclear.

NM_000321.3(RB1):c.976C>A (p.Leu326Ile)

Gene: RB1 (RB transcriptional corepressor 1; plus strand). Cytogenetic location: 13q14.2.
Variant type: single nucleotide variant.
Coding change: c.976C>A on transcript NM_000321.3 (MANE Select); coding-DNA position 976, C replaced by A.
Protein change: p.Leu326Ile; replaces leucine 326 with isoleucine.
Molecular consequence: missense variant.
Genome position (GRCh38, 1-based): chr13:48,367,530, C>A. VCF-style: chr13-48367530-C-A. GRCh37 (hg19) VCF-style: chr13-48941666-C-A.
Other names: c.976C>A, p.Leu326Ile (NM_001407165.1, NM_001407166.1); short protein forms L326I.
Identifiers: ClinVar variation 4151196 (VCV004151196.1).
Genomic context (GRCh38, chr13:48,367,530, plus strand): 5'-TGTCAGTGACTTTTTTCTTTCAAGGTTGAAAATCTTTCTAAACGATACGAAGAAATTTAT[C>A]TTAAAAATAAAGATCTAGATGCAAGATTATTTTTGGATCATGATAAAACTCTTCAGACTG-3'
Protein context (NP_000312.2, residues 316-336): NLSKRYEEIY[Leu326Ile]KNKDLDARLF